The following is an entry in ClinVar:

NM_172362.3(KCNH1):c.2206C>G (p.Pro736Ala)

Gene: KCNH1 (potassium voltage-gated channel subfamily H member 1; minus strand). Cytogenetic location: 1q32.2.
Variant type: single nucleotide variant.
Coding change: c.2206C>G on transcript NM_172362.3 (MANE Select); coding-DNA position 2206, C replaced by G.
Protein change: p.Pro736Ala; replaces proline 736 with alanine.
Molecular consequence: missense variant.
Genome position (GRCh38, 1-based): chr1:210,684,045, G>C on the plus strand (C>G on the coding strand, the complement: KCNH1 is on the minus strand). VCF-style: chr1-210684045-G-C. GRCh37 (hg19) VCF-style: chr1-210857387-G-C.
Other names: c.2125C>G, p.Pro709Ala (NM_002238.4); short protein forms P709A, P736A.
Identifiers: ClinVar variation 1029267 (VCV001029267.1), dbSNP rs1681345673, ClinGen allele CA344871649.

ClinVar aggregate classification (germline): Uncertain significance (1 of 4 stars; one submission).

Conditions:
Temple-Baraitser syndrome (TMBTS). Also called: Severe mental retardation and absent nails of hallux and pollex. Identifiers: Orphanet 420561, MedGen C2678486, MONDO:0012735, OMIM 611816.

Allele frequency attached by ClinVar (database versions not stated): gnomAD exomes below 0.00001; TOPMed below 0.00001.
gnomAD v4.1: 1 of 1,555,710 alleles (0.000064%); highest among the groups gnomAD compares: Non-Finnish European, 0.000087%; no homozygotes.

Submission:

Baylor Genetics
Classification: Uncertain significance for Temple-Baraitser syndrome. Last evaluated: 2019-10-03. Review status: criteria provided, single submitter. Criteria: ACMG Guidelines, 2015. Collection method: clinical testing. Allele origin: unknown. Affected: yes.
Comment: This variant was determined to be of uncertain significance according to ACMG Guidelines, 2015 [PMID:25741868].